The following is an entry in ClinVar:

ClinVar aggregate classification (germline): Uncertain significance. Review status: criteria provided, multiple submitters, no conflicts (2 of 4 stars). 3 submissions from 3 submitters: Uncertain significance (3). Last evaluated 2025-02-13.

Conditions:
Inborn genetic diseases. Identifiers: MedGen C0950123, MeSH D030342.
Developmental and epileptic encephalopathy, 25 (DEE25). Also called: Epileptic encephalopathy, early infantile, 25; Developmental and epileptic encephalopathy 25, with amelogenesis imperfecta; Epileptic encephalopathy, early infantile, 25, with amelogenesis imperfecta. Identifiers: Orphanet 442835, MedGen C4014621, MONDO:0014392, OMIM 615905.

Allele frequency attached by ClinVar (database versions not stated): gnomAD exomes below 0.00001; TOPMed below 0.00001.

Submissions (3):

Ambry Genetics
Classification: Uncertain significance for Inborn genetic diseases. Last evaluated: 2025-02-13. Review status: criteria provided, single submitter. Criteria: Ambry Variant Classification Scheme 2023. Collection method: clinical testing. Allele origin: germline.

Genomic Medicine Center of Excellence, King Faisal Specialist Hospital and Research Centre
Classification: Uncertain significance for Developmental and epileptic encephalopathy, 25. Last evaluated: 2024-03-29. Review status: criteria provided, single submitter. Criteria: ACMG Guidelines, 2015. Collection method: clinical testing. Allele origin: germline.

Labcorp Genetics (formerly Invitae), Labcorp
Classification: Uncertain significance for Developmental and epileptic encephalopathy, 25. Last evaluated: 2023-11-14. Review status: criteria provided, single submitter. Criteria: Invitae Variant Classification Sherloc (09022015). Collection method: clinical testing. Allele origin: germline.
Comment: This sequence change replaces leucine, which is neutral and non-polar, with phenylalanine, which is neutral and non-polar, at codon 455 of the SLC13A5 protein (p.Leu455Phe). This variant is not present in population databases (gnomAD no frequency). This variant has not been reported in the literature in individuals affected with SLC13A5-related conditions. ClinVar contains an entry for this variant (Variation ID: 1426274). Advanced modeling of protein sequence and biophysical properties (such as structural, functional, and spatial information, amino acid conservation, physicochemical variation, residue mobility, and thermodynamic stability) performed at Invitae indicates that this missense variant is not expected to disrupt SLC13A5 protein function with a negative predictive value of 80%. In summary, the available evidence is currently insufficient to determine the role of this variant in disease. Therefore, it has been classified as a Variant of Uncertain Significance.

NM_177550.5(SLC13A5):c.1363C>T (p.Leu455Phe)

Gene: SLC13A5 (solute carrier family 13 member 5; minus strand). Cytogenetic location: 17p13.1.
Variant type: single nucleotide variant.
Coding change: c.1363C>T on transcript NM_177550.5 (MANE Select); coding-DNA position 1363, C replaced by T.
Protein change: p.Leu455Phe; replaces leucine 455 with phenylalanine.
Molecular consequence: missense variant.
Genome position (GRCh38, 1-based): chr17:6,690,853, G>A on the plus strand (C>T on the coding strand, the complement: SLC13A5 is on the minus strand). VCF-style: chr17-6690853-G-A. GRCh37 (hg19) VCF-style: chr17-6594172-G-A.
Other names: c.1363C>T, p.Leu455Phe (NM_001143838.3); c.1312C>T, p.Leu438Phe (NM_001284509.2); c.1234C>T, p.Leu412Phe (NM_001284510.2); c.1363C>T (NM_177550.3); short protein forms L412F, L438F, L455F.
Identifiers: ClinVar variation 1426274 (VCV001426274.8), dbSNP rs1386156410, ClinGen allele CA397739740.